The following is an entry in ClinVar:

ClinVar aggregate classification (germline): Uncertain significance. Review status: criteria provided, multiple submitters, no conflicts (2 of 4 stars). 2 submissions from 2 submitters: Uncertain significance (2). Last evaluated 2025-07-21.

Conditions:
Hereditary cancer-predisposing syndrome. Also called: Neoplastic Syndromes, Hereditary; Hereditary neoplastic syndrome; Tumor predisposition; Hereditary Cancer Syndrome. Identifiers: Orphanet 140162, MedGen C0027672, MeSH D009386, MONDO:0015356.
Tuberous sclerosis 1 (TSC1). Identifiers: Orphanet 805, MedGen C1854465, MONDO:0008612, OMIM 191100.

Allele frequency attached by ClinVar (database versions not stated): gnomAD exomes below 0.00001; TOPMed 0.00001.
gnomAD v4.1: 2 of 1,613,720 alleles (0.00012%); highest among the groups gnomAD compares: Non-Finnish European, 0.00017%; no homozygotes.

Submissions (2):

Labcorp Genetics (formerly Invitae), Labcorp
Classification: Uncertain significance for Tuberous sclerosis 1. Last evaluated: 2025-07-21. Review status: criteria provided, single submitter. Criteria: Invitae Variant Classification Sherloc (09022015). Collection method: clinical testing. Allele origin: germline.
Comment: This sequence change replaces arginine, which is basic and polar, with serine, which is neutral and polar, at codon 992 of the TSC1 protein (p.Arg992Ser). This variant is not present in population databases (gnomAD no frequency). This variant has not been reported in the literature in individuals affected with TSC1-related conditions. ClinVar contains an entry for this variant (Variation ID: 662581). Invitae Evidence Modeling of protein sequence and biophysical properties (such as structural, functional, and spatial information, amino acid conservation, physicochemical variation, residue mobility, and thermodynamic stability) indicates that this missense variant is not expected to disrupt TSC1 protein function with a negative predictive value of 95%. RNA analysis performed to evaluate the impact of this missense change on mRNA splicing indicates it does not significantly alter splicing (internal data). In summary, the available evidence is currently insufficient to determine the role of this variant in disease. Therefore, it has been classified as a Variant of Uncertain Significance.

Ambry Genetics
Classification: Uncertain significance for Hereditary cancer-predisposing syndrome. Last evaluated: 2024-03-27. Review status: criteria provided, single submitter. Criteria: Ambry Variant Classification Scheme 2023. Collection method: clinical testing. Allele origin: germline.
Comment: The p.R992S variant (also known as c.2976G>T) is located in coding exon 21 of the TSC1 gene. The arginine at codon 992 is replaced by serine, an amino acid with dissimilar properties. This change occurs in the first base pair of coding exon 21. This amino acid position is conserved. In addition, the in silico prediction for this alteration is inconclusive. Based on the available evidence, the clinical significance of this alteration remains unclear.

NM_000368.5(TSC1):c.2976G>T (p.Arg992Ser)

Gene: TSC1 (TSC complex subunit 1; minus strand). Cytogenetic location: 9q34.13.
Variant type: single nucleotide variant.
Coding change: c.2976G>T on transcript NM_000368.5 (MANE Select); coding-DNA position 2976, G replaced by T.
Protein change: p.Arg992Ser; replaces arginine 992 with serine.
Molecular consequence: missense variant.
Genome position (GRCh38, 1-based): chr9:132,896,754, C>A on the plus strand (G>T on the coding strand, the complement: TSC1 is on the minus strand). VCF-style: chr9-132896754-C-A. GRCh37 (hg19) VCF-style: chr9-135772141-C-A.
Other names: c.2973G>T, p.Arg991Ser (NM_001162426.2); c.2823G>T, p.Arg941Ser (NM_001162427.2); c.2613G>T, p.Arg871Ser (NM_001362177.2); short protein forms R992S, R941S, R871S, R991S.
Identifiers: ClinVar variation 662581 (VCV000662581.9), dbSNP rs1453837305, ClinGen allele CA375368098.
Genomic context (GRCh38, chr9:132,896,754, plus strand): 5'-AGATGCCTCTTCATTGTGCCCTACCATGGAATCTGAGCACCCGTCATTACAACAGTCAAG[C>A]CTGTAAGAAAGCCGGGGAGGAAAAAAGGAGCTGGTGATTGGACTGTCCACATTCGGAGGA-3'
Protein context (NP_000359.1, residues 982-1002): KAEAAEAAEE[Arg992Ser]LDCCNDGCSD